The following is an entry in ClinVar:

NM_001276270.2(MBD4):c.879T>A (p.Ala293=)

Gene: MBD4 (methyl-CpG binding domain 4, DNA glycosylase; minus strand). Cytogenetic location: 3q21.3.
Variant type: single nucleotide variant.
Coding change: c.879T>A on transcript NM_001276270.2 (MANE Select); coding-DNA position 879, T replaced by A.
Protein change: p.Ala293=; no amino-acid change (alanine 293 retained).
Molecular consequence: synonymous variant. On other transcripts: intron variant (1).
Genome position (GRCh38, 1-based): chr3:129,436,765, A>T on the plus strand (T>A on the coding strand, the complement: MBD4 is on the minus strand). VCF-style: chr3-129436765-A-T. GRCh37 (hg19) VCF-style: chr3-129155608-A-T.
Other names: c.879T>A, p.Ala293= (NM_001276271.2, NM_001276272.2, NM_003925.3); c.247+1043T>A (NM_001276273.2).
Identifiers: ClinVar variation 3624627 (VCV003624627.3).

ClinVar aggregate classification (germline): Uncertain significance. Review status: criteria provided, multiple submitters, no conflicts (2 of 4 stars). 2 submissions from 2 submitters: Uncertain significance (2). Last evaluated 2025-12-23.

Conditions:
Inborn genetic diseases. Identifiers: MedGen C0950123, MeSH D030342.

gnomAD v4.1: 24 of 1,613,988 alleles (0.0015%); highest among the groups gnomAD compares: Non-Finnish European, 0.002%; no homozygotes.

Submissions (2):

Labcorp Genetics (formerly Invitae), Labcorp
Classification: Uncertain significance. Last evaluated: 2025-12-23. Review status: criteria provided, single submitter. Criteria: Invitae Variant Classification Sherloc (09022015). Collection method: clinical testing. Allele origin: germline.
Comment: This sequence change affects codon 293 of the MBD4 mRNA. It is a 'silent' change, meaning that it does not change the encoded amino acid sequence of the MBD4 protein. This variant is present in population databases (rs770049431, gnomAD 0.0009%). This variant has not been reported in the literature in individuals affected with MBD4-related conditions. ClinVar contains an entry for this variant (Variation ID: 3624627). Algorithms developed to predict the effect of sequence changes on RNA splicing suggest that this variant may create or strengthen a splice site. In summary, the available evidence is currently insufficient to determine the role of this variant in disease. Therefore, it has been classified as a Variant of Uncertain Significance.

Ambry Genetics
Classification: Uncertain significance for Inborn genetic diseases. Last evaluated: 2025-02-14. Review status: criteria provided, single submitter. Criteria: Ambry Variant Classification Scheme 2023. Collection method: clinical testing. Allele origin: germline.
Comment: The c.879T>A variant (also known as p.A293A), located in coding exon 3 of the MBD4 gene, results from a T to A substitution at nucleotide position 879. This nucleotide substitution does not change the amino acid at codon 293. This nucleotide position is poorly conserved in available vertebrate species. In silico splice site analysis predicts that this alteration will result in the creation or strengthening of a novel splice acceptor site. Based on the available evidence, the clinical significance of this variant remains unclear.